The following is an entry in ClinVar:

NM_001128840.3(CACNA1D):c.2147T>A (p.Met716Lys)

Gene: CACNA1D (calcium voltage-gated channel subunit alpha1 D; plus strand). Cytogenetic location: 3p21.1.
Variant type: single nucleotide variant.
Coding change: c.2147T>A on transcript NM_001128840.3 (MANE Select); coding-DNA position 2147, T replaced by A.
Protein change: p.Met716Lys; replaces methionine 716 with lysine.
Molecular consequence: missense variant.
Genome position (GRCh38, 1-based): chr3:53,726,925, T>A. VCF-style: chr3-53726925-T-A. GRCh37 (hg19) VCF-style: chr3-53760952-T-A.
Other names: c.2207T>A, p.Met736Lys (NM_000720.4); c.2147T>A, p.Met716Lys (NM_001128839.3); short protein forms M716K, M736K.
Identifiers: ClinVar variation 3368817 (VCV003368817.2).

ClinVar aggregate classification (germline): Uncertain significance (1 of 4 stars; one submission).

Submission:

GeneDx
Classification: Uncertain significance. Last evaluated: 2026-09-24. Review status: criteria provided, single submitter. Criteria: GeneDx Variant Classification Process June 2021. Collection method: clinical testing. Allele origin: germline.
Comment: Not observed at significant frequency in large population cohorts (gnomAD); In silico analysis supports that this missense variant has a deleterious effect on protein structure/function; Has not been previously published as pathogenic or benign to our knowledge